The following is an entry in ClinVar:

ClinVar aggregate classification (germline): Uncertain significance. Review status: criteria provided, multiple submitters, no conflicts (2 of 4 stars). 2 submissions from 2 submitters: Uncertain significance (2). Last evaluated 2025-11-18.

Allele frequency attached by ClinVar (database versions not stated): gnomAD exomes 0.00005; gnomAD 0.00011; ExAC 0.00013; TOPMed 0.00013.
gnomAD v4.1: 95 of 1,587,338 alleles (0.006%); highest among the groups gnomAD compares: Admixed American, 0.026%; no homozygotes.

Submissions (2):

Labcorp Genetics (formerly Invitae), Labcorp
Classification: Uncertain significance. Last evaluated: 2025-11-18. Review status: criteria provided, single submitter. Criteria: Invitae Variant Classification Sherloc (09022015). Collection method: clinical testing. Allele origin: germline.
Comment: This sequence change replaces isoleucine, which is neutral and non-polar, with threonine, which is neutral and polar, at codon 55 of the DSCAML1 protein (p.Ile55Thr). This variant is present in population databases (rs758228243, gnomAD 0.05%). This variant has not been reported in the literature in individuals affected with DSCAML1-related conditions. ClinVar contains an entry for this variant (Variation ID: 2067373). An algorithm developed to predict the effect of missense changes on protein structure and function outputs the following: PolyPhen-2: "Not Available". The threonine amino acid residue is found in multiple mammalian species, which suggests that this missense change does not adversely affect protein function. In summary, the available evidence is currently insufficient to determine the role of this variant in disease. Therefore, it has been classified as a Variant of Uncertain Significance.

Ambry Genetics
Classification: Uncertain significance. Last evaluated: 2024-07-09. Review status: criteria provided, single submitter. Criteria: Ambry Variant Classification Scheme 2023. Collection method: clinical testing. Allele origin: germline.

NM_020693.4(DSCAML1):c.-17T>C

Gene: DSCAML1 (DS cell adhesion molecule like 1; minus strand). Cytogenetic location: 11q23.3.
Variant type: single nucleotide variant.
Coding change: c.-17T>C on transcript NM_020693.4 (MANE Select); 17 bases upstream of the start codon, T replaced by C.
Molecular consequence: 5 prime UTR variant. On other transcripts: intron variant (1).
Genome position (GRCh38, 1-based): chr11:117,797,096, A>G on the plus strand (T>C on the coding strand, the complement: DSCAML1 is on the minus strand). VCF-style: chr11-117797096-A-G. GRCh37 (hg19) VCF-style: chr11-117667811-A-G.
Other names: c.-17T>C (NM_001367904.1); c.-362-16286T>C (NM_001367905.1); c.164T>C (NM_020693.2).
Identifiers: ClinVar variation 2067373 (VCV002067373.5), dbSNP rs758228243, ClinGen allele CA6297686.
Genomic context (GRCh38, chr11:117,797,096, plus strand): 5'-TTGTGTAAAGAGTCCAGGAGCAGGAGGAAAGTTACCAGCCACATGCCATAAAGAGGCCCT[A>G]TTCTCCGGGGAGGTGGTCCTGTGGCCGGCCGTGCGGCAGCGCCTCTCCCCCGCTCAGCGC-3'